The following is an entry in ClinVar:

NM_007294.4(BRCA1):c.5168T>A (p.Ile1723Asn)

Gene: BRCA1 (BRCA1 DNA repair associated; minus strand). Cytogenetic location: 17q21.31.
Variant type: single nucleotide variant.
Coding change: c.5168T>A on transcript NM_007294.4 (MANE Select); coding-DNA position 5168, T replaced by A.
Protein change: p.Ile1723Asn; replaces isoleucine 1723 with asparagine.
Molecular consequence: missense variant. On other transcripts: non-coding transcript variant (1).
Genome position (GRCh38, 1-based): chr17:43,063,358, A>T on the plus strand (T>A on the coding strand, the complement: BRCA1 is on the minus strand). VCF-style: chr17-43063358-A-T. GRCh37 (hg19) VCF-style: chr17-41215375-A-T.
Other names: c.5042T>A, p.Ile1681Asn (NM_001407674.1, NM_001407675.1, NM_001407676.1 and 10 more transcripts); c.5039T>A, p.Ile1680Asn (NM_001407688.1, NM_001407689.1, NM_001407681.1 and 6 more transcripts); c.5036T>A, p.Ile1679Asn (NM_001407690.1, NM_001407691.1); c.5027T>A, p.Ile1676Asn (NM_001407692.1, NM_001407694.1, NM_001407695.1 and 13 more transcripts); c.5024T>A, p.Ile1675Asn (NM_001407733.1, NM_001407734.1, NM_001407735.1 and 21 more transcripts); c.5021T>A, p.Ile1674Asn (NM_001407838.1, NM_001407839.1, NM_001407841.1 and 12 more transcripts); c.5165T>A, p.Ile1722Asn (NM_001407860.1, NM_001407610.1, NM_001407611.1 and 17 more transcripts); c.5162T>A, p.Ile1721Asn (NM_001407861.1, NM_001407628.1, NM_001407629.1 and 14 more transcripts); and 72 more; short protein forms I1723N, I1744N, I619N, I1676N, I1596N, I1653N, I1654N, I1674N.
Identifiers: ClinVar variation 418930 (VCV000418930.10), dbSNP rs1064793533, ClinGen allele CA10591210.

ClinVar aggregate classification (germline): Conflicting classifications of pathogenicity. Review status: criteria provided, conflicting classifications (1 of 4 stars). 2 submissions from 2 submitters: Uncertain significance (1); Likely benign (1). Last evaluated 2024-11-27.

Conditions:
Hereditary cancer-predisposing syndrome. Also called: Neoplastic Syndromes, Hereditary; Hereditary neoplastic syndrome; Tumor predisposition; Hereditary Cancer Syndrome. Identifiers: Orphanet 140162, MedGen C0027672, MeSH D009386, MONDO:0015356.

Submissions (3):

Ambry Genetics
Classification: Likely benign for Hereditary cancer-predisposing syndrome. Last evaluated: 2024-11-27. Review status: criteria provided, single submitter. Criteria: Ambry Variant Classification Scheme 2023. Collection method: clinical testing. Allele origin: germline.

GeneDx
Classification: Uncertain significance. Last evaluated: 2015-04-23. Review status: criteria provided, single submitter. Criteria: GeneDx Variant Classification (06012015). Collection method: clinical testing. Allele origin: germline. Affected: yes.
Comment: This variant is denoted BRCA1 c.5168T>A at the cDNA level, p.Ile1723Asn (I1723N) at the protein level, and results in the change of an Isoleucine to an Asparagine (ATT>AAT). Using alternate nomenclature, this variant would be defined as BRCA1 5287T>A. This variant has not, to our knowledge, been published in the literature as pathogenic or benign. BRCA1 Ile1723Asn was not observed in approximately 6,500 individuals of European and African American ancestry in the NHLBI Exome Sequencing Project, indicating it is not a common benign variant in these populations. Since Isoleucine and Asparagine differ in polarity, charge, size or other properties, this is considered a non-conservative amino acid substitution. BRCA1 Ile1723Asn occurs at a position that is not conserved across species and is located in the BRCT 1 domain (UniProt). In silico analyses predict that this variant is probably damaging to protein structure and function. Based on currently available information, it is unclear whether BRCA1 Ile1723Asn is pathogenic or benign. We consider it to be a variant of uncertain significance.

Brotman Baty Institute, University of Washington
No classification provided (evidence only). Condition: Breast-ovarian cancer, familial 1. Review status: no classification provided. Collection method: in vitro. Allele origin: not applicable. Functional consequence: functionally_normal. Not counted in ClinVar's aggregate classification.
ClinVar note: "not provided" was previously submitted as the classification for the variant. However, the classification appeared to be based only on an observation of functional data so it was converted to no classification on 2025-07-30.

Literature cited by the submitters: PubMed 30209399 (cited by Ambry Genetics).